The following is an entry in ClinVar:

ClinVar aggregate classification (germline): Uncertain significance (1 of 4 stars; one submission).

Conditions:
Hereditary nonpolyposis colorectal neoplasms. Identifiers: MedGen C0009405, MeSH D003123.

Submission:

Labcorp Genetics (formerly Invitae), Labcorp
Classification: Uncertain significance for Hereditary nonpolyposis colorectal neoplasms. Last evaluated: 2021-08-06. Review status: criteria provided, single submitter. Criteria: Invitae Variant Classification Sherloc (09022015). Collection method: clinical testing. Allele origin: germline.
Comment: In summary, the available evidence is currently insufficient to determine the role of this variant in disease. Therefore, it has been classified as a Variant of Uncertain Significance. Algorithms developed to predict the effect of sequence changes on RNA splicing suggest that this variant may create or strengthen a splice site, but this prediction has not been confirmed by published transcriptional studies. Algorithms developed to predict the effect of missense changes on protein structure and function output the following: SIFT: "Tolerated"; PolyPhen-2: "Benign"; Align-GVGD: "Class C0". The arginine amino acid residue is found in multiple mammalian species, suggesting that this missense change does not adversely affect protein function. These predictions have not been confirmed by published functional studies and their clinical significance is uncertain. This variant has not been reported in the literature in individuals with PMS2-related conditions. This variant is not present in population databases (ExAC no frequency). This sequence change replaces serine with arginine at codon 258 of the PMS2 protein (p.Ser258Arg). The serine residue is weakly conserved and there is a moderate physicochemical difference between serine and arginine.

NM_000535.7(PMS2):c.774C>G (p.Ser258Arg)

Gene: PMS2 (PMS1 homolog 2, mismatch repair system component; minus strand). Cytogenetic location: 7p22.1.
Variant type: single nucleotide variant.
Coding change: c.774C>G on transcript NM_000535.7 (MANE Select); coding-DNA position 774, C replaced by G.
Protein change: p.Ser258Arg; replaces serine 258 with arginine.
Molecular consequence: missense variant. On other transcripts: 5 prime UTR variant (2), non-coding transcript variant (1).
Genome position (GRCh38, 1-based): chr7:5,997,355, G>C on the plus strand (C>G on the coding strand, the complement: PMS2 is on the minus strand). VCF-style: chr7-5997355-G-C. GRCh37 (hg19) VCF-style: chr7-6036986-G-C.
Other names: c.369C>G, p.Ser123Arg (NM_001322003.2, NM_001322004.2, NM_001322005.2 and 2 more transcripts); c.774C>G, p.Ser258Arg (NM_001322006.2, NM_001322014.2); c.456C>G, p.Ser152Arg (NM_001322007.2, NM_001322008.2); c.-160C>G (NM_001322011.2, NM_001322012.2); c.201C>G, p.Ser67Arg (NM_001322013.2); c.465C>G, p.Ser155Arg (NM_001322015.2); short protein forms S123R, S152R, S155R, S258R, S67R.
Identifiers: ClinVar variation 1051578 (VCV001051578.9), dbSNP rs1784526585, ClinGen allele CA366743661.
Genomic context (GRCh38, chr7:5,997,355, plus strand): 5'-ATTGTAGTTCTCTTGCCAGCAATCTACTTACTAAAAAAGATTATGCAGAGCATCGGAACA[G>C]CTCAAACCGTACTCTTCACACACGGAGTCACTAGGGGGCAGCTGAACAAAAGGAATGAGG-3'
Protein context (NP_000526.2, residues 248-268): SDSVCEEYGL[Ser258Arg]CSDALHNLFY